The following is an entry in ClinVar:

NM_001286577.2(C2CD3):c.764_765del (p.Phe255fs)

Genes: C2CD3 (C2 domain containing 3 centriole elongation regulator; minus strand), LOC121392929 (Sharpr-MPRA regulatory region 9619; plus strand). Cytogenetic location: 11q13.4.
Variant type: Deletion.
Coding change: c.764_765del on transcript NM_001286577.2 (MANE Select); coding-DNA positions 764 to 765, 2 bases deleted (TT; older notation c.764_765delTT).
Protein change: p.Phe255fs; shifts the reading frame from phenylalanine 255.
Molecular consequence: frameshift variant.
Genome position (GRCh38, 1-based): chr11:74,138,910-74,138,911, AA deleted on the plus strand (TT on the coding strand, the reverse complement: C2CD3 is on the minus strand); deleting any 2 consecutive bases within chr11:74,138,910-74,138,912 gives the same sequence; the c. name uses the placement nearest the transcript's 3' end. VCF-style (leftmost placement, unchanged base first): chr11-74138909-CAA-C. GRCh37 (hg19) VCF-style: chr11-73849954-CAA-C.
Other names: c.764_765del, p.Phe255fs (NM_015531.6); short protein forms F255fs.
Identifiers: ClinVar variation 2855644 (VCV002855644.3), dbSNP rs2496597718, ClinGen allele CA2739270685.

ClinVar aggregate classification (germline): Pathogenic (1 of 4 stars; one submission).

Submission:

Labcorp Genetics (formerly Invitae), Labcorp
Classification: Pathogenic. Last evaluated: 2023-05-09. Review status: criteria provided, single submitter. Criteria: Invitae Variant Classification Sherloc (09022015). Collection method: clinical testing. Allele origin: germline.
Comment: For these reasons, this variant has been classified as Pathogenic. This variant has not been reported in the literature in individuals affected with C2CD3-related conditions. This sequence change creates a premature translational stop signal (p.Phe255Trpfs*7) in the C2CD3 gene. It is expected to result in an absent or disrupted protein product. Loss-of-function variants in C2CD3 are known to be pathogenic (PMID: 24997988, 26477546). This variant is not present in population databases (gnomAD no frequency).

Literature cited by the submitters: PubMed 24997988; PubMed 26477546.